The following is an entry in ClinVar:

ClinVar aggregate classification (germline): Conflicting classifications of pathogenicity. Review status: criteria provided, conflicting classifications (1 of 4 stars). 3 submissions from 3 submitters: Uncertain significance (2); Likely benign (1). Last evaluated 2025-02-17.

Submissions (3):

Labcorp Genetics (formerly Invitae), Labcorp
Classification: Uncertain significance. Last evaluated: 2025-02-17. Review status: criteria provided, single submitter. Criteria: Invitae Variant Classification Sherloc (09022015). Collection method: clinical testing. Allele origin: germline.
Comment: This variant, c.56_82del, results in the deletion of 9 amino acid(s) of the DEAF1 protein (p.Val19_Ala27del), but otherwise preserves the integrity of the reading frame. The frequency data for this variant in the population databases is considered unreliable, as metrics indicate poor data quality at this position in the gnomAD database. This variant has not been reported in the literature in individuals affected with DEAF1-related conditions. ClinVar contains an entry for this variant (Variation ID: 434934). Experimental studies and prediction algorithms are not available or were not evaluated, and the functional significance of this variant is currently unknown. In summary, the available evidence is currently insufficient to determine the role of this variant in disease. Therefore, it has been classified as a Variant of Uncertain Significance.

CeGaT Center for Human Genetics Tuebingen
Classification: Likely benign. Last evaluated: 2024-03-01. Review status: criteria provided, single submitter. Criteria: CeGaT Center For Human Genetics Tuebingen Variant Classification Criteria Version 2. Collection method: clinical testing. Allele origin: germline. Affected: yes. Observed: 1 variant allele.
Comment: DEAF1: BP3

Genetic Services Laboratory, University of Chicago
Classification: Uncertain significance. Last evaluated: 2015-09-30. Review status: criteria provided, single submitter. Criteria: ACMG Guidelines, 2015. Collection method: clinical testing. Allele origin: germline. Affected: no.

NM_021008.4(DEAF1):c.56_82del (p.Val19_Ala27del)

Gene: DEAF1 (DEAF1 transcription factor; minus strand). Cytogenetic location: 11p15.5.
Variant type: Deletion.
Coding change: c.56_82del on transcript NM_021008.4 (MANE Select); coding-DNA positions 56 to 82, 27 bases deleted (TGGCGGCCGCGGCCGCTGTGGCGGCGG).
Protein change: p.Val19_Ala27del.
Molecular consequence: inframe deletion. On other transcripts: intron variant (1), inframe indel (1).
Genome position (GRCh38, 1-based): chr11:694,966-694,992, CCGCCGCCACAGCGGCCGCGGCCGCCA deleted on the plus strand (TGGCGGCCGCGGCCGCTGTGGCGGCGG on the coding strand, the reverse complement: DEAF1 is on the minus strand); deleting any 27 consecutive bases within chr11:694,966-695,000 gives the same sequence; the c. name uses the placement nearest the transcript's 3' end. VCF-style (leftmost placement, unchanged base first): chr11-694965-GCCGCCGCCACAGCGGCCGCGGCCGCCA-G. GRCh37 (hg19) VCF-style: chr11-694965-GCCGCCGCCACAGCGGCCGCGGCCGCCA-G.
Other names: c.-437-3394_-437-3368del (NM_001367390.1); c.48_74del27, p.Val19_Ala27del (NM_001293634.2).
Identifiers: ClinVar variation 434934 (VCV000434934.32), dbSNP rs768085739, ClinGen allele CA5786673.